The following is an entry in ClinVar:

NM_000264.5(PTCH1):c.74_75delinsAT (p.Gly25Asp)

Genes: PTCH1 (patched 1; minus strand), LOC130002133 (ATAC-STARR-seq lymphoblastoid silent region 20071; plus strand). Cytogenetic location: 9q22.32.
Variant type: Indel.
Coding change: c.74_75delinsAT on transcript NM_000264.5 (MANE Select); coding-DNA positions 74 to 75, GA replaced by AT.
Protein change: p.Gly25Asp; replaces glycine 25 with aspartic acid.
Molecular consequence: missense variant. On other transcripts: non-coding transcript variant (1), intron variant (3).
Genome position (GRCh38, 1-based): chr9:95,508,287-95,508,288, TC replaced by AT on the plus strand (GA replaced by AT on the coding strand, the reverse complement: PTCH1 is on the minus strand). VCF-style: chr9-95508287-TC-AT. GRCh37 (hg19) VCF-style: chr9-98270569-TC-AT.
Other names: c.74_75delinsAT, p.Gly25Asp (NM_001354918.2); c.199-1689_199-1688delinsAT (NM_001083603.3); c.4-1689_4-1688delinsAT (NM_001083602.3, NM_001354919.2); c.74_75delGAinsAT (NM_000264.3); short protein forms G25D.
Identifiers: ClinVar variation 835090 (VCV000835090.12), dbSNP rs1843902347, ClinGen allele CA916081541.

ClinVar aggregate classification (germline): Uncertain significance. Review status: criteria provided, multiple submitters, no conflicts (2 of 4 stars). 2 submissions from 2 submitters: Uncertain significance (2). Last evaluated 2025-09-10.

Conditions:
Hereditary cancer-predisposing syndrome. Also called: Neoplastic Syndromes, Hereditary; Hereditary neoplastic syndrome; Tumor predisposition; Hereditary Cancer Syndrome. Identifiers: Orphanet 140162, MedGen C0027672, MeSH D009386, MONDO:0015356.
Gorlin syndrome. Also called: Basal cell nevus syndrome; Nevoid Basal Cell Carcinoma Syndrome. Identifiers: Orphanet 377, MedGen C0004779, MONDO:0007187.

Submissions (2):

Labcorp Genetics (formerly Invitae), Labcorp
Classification: Uncertain significance for Gorlin syndrome. Last evaluated: 2025-09-10. Review status: criteria provided, single submitter. Criteria: Invitae Variant Classification Sherloc (09022015). Collection method: clinical testing. Allele origin: germline.
Comment: This sequence change replaces glycine, which is neutral and non-polar, with aspartic acid, which is acidic and polar, at codon 25 of the PTCH1 protein (p.Gly25Asp). Information on the frequency of this variant in the gnomAD database is not available, as this variant may be reported differently in the database. This variant has not been reported in the literature in individuals affected with PTCH1-related conditions. ClinVar contains an entry for this variant (Variation ID: 835090). An algorithm developed to predict the effect of missense changes on protein structure and function (PolyPhen-2) suggests that this variant is likely to be tolerated. In summary, the available evidence is currently insufficient to determine the role of this variant in disease. Therefore, it has been classified as a Variant of Uncertain Significance.

Ambry Genetics
Classification: Uncertain significance for Hereditary cancer-predisposing syndrome. Last evaluated: 2024-02-02. Review status: criteria provided, single submitter. Criteria: Ambry Variant Classification Scheme 2023. Collection method: clinical testing. Allele origin: germline.
Comment: The c.74_75delGAinsAT variant, located in coding exon 1 of the PTCH1 gene, results from an in-frame deletion of GA and insertion of AT at nucleotide positions 74 to 75. This results in the substitution of the glycine residue for an aspartic acid residue at codon 25, an amino acid with similar properties. This amino acid position is not well conserved in available vertebrate species. In addition, this alteration is predicted to be neutral by in silico analysis (Choi Y et al. PLoS ONE. 2012; 7(10):e46688). Since supporting evidence is limited at this time, the clinical significance of this alteration remains unclear.